The following is an entry in ClinVar:

ClinVar aggregate classification (germline): Uncertain significance (1 of 4 stars; one submission).

gnomAD v4.1: 8 of 1,614,230 alleles (0.0005%); highest among the groups gnomAD compares: Non-Finnish European, 0.00059%; no homozygotes.

Submission:

Labcorp Genetics (formerly Invitae), Labcorp
Classification: Uncertain significance. Last evaluated: 2024-12-28. Review status: criteria provided, single submitter. Criteria: Invitae Variant Classification Sherloc (09022015). Collection method: clinical testing. Allele origin: germline.
Comment: This sequence change replaces glutamic acid, which is acidic and polar, with valine, which is neutral and non-polar, at codon 501 of the HIVEP2 protein (p.Glu501Val). This variant is not present in population databases (gnomAD no frequency). This variant has not been reported in the literature in individuals affected with HIVEP2-related conditions. Invitae Evidence Modeling of protein sequence and biophysical properties (such as structural, functional, and spatial information, amino acid conservation, physicochemical variation, residue mobility, and thermodynamic stability) indicates that this missense variant is not expected to disrupt HIVEP2 protein function with a negative predictive value of 80%. In summary, the available evidence is currently insufficient to determine the role of this variant in disease. Therefore, it has been classified as a Variant of Uncertain Significance.

NM_006734.4(HIVEP2):c.1502A>T (p.Glu501Val)

Gene: HIVEP2 (HIVEP zinc finger 2; minus strand). Cytogenetic location: 6q24.2.
Variant type: single nucleotide variant.
Coding change: c.1502A>T on transcript NM_006734.4 (MANE Select); coding-DNA position 1502, A replaced by T.
Protein change: p.Glu501Val; replaces glutamic acid 501 with valine.
Molecular consequence: missense variant.
Genome position (GRCh38, 1-based): chr6:142,773,237, T>A on the plus strand (A>T on the coding strand, the complement: HIVEP2 is on the minus strand). VCF-style: chr6-142773237-T-A. GRCh37 (hg19) VCF-style: chr6-143094374-T-A.
Other names: short protein forms E501V.
Identifiers: ClinVar variation 3676283 (VCV003676283.2).
Genomic context (GRCh38, chr6:142,773,237, plus strand): 5'-GCTGGATAAAGTTTTCCTTCGTTCCTGATAGATGATGGAATAATCTGGGGTTGTCTGGAC[T>A]CACTGTTGAACTTAGTGGATTTCAGCATGCTCGTTTGACTGGGGTCGACATCTCCCTTGC-3'
Protein context (NP_006725.3, residues 491-511): SMLKSTKFNS[Glu501Val]SRQPQIIPSS